The following is an entry in ClinVar:

ClinVar aggregate classification (germline): Pathogenic/Likely pathogenic. Review status: criteria provided, multiple submitters, no conflicts (2 of 4 stars). 2 submissions from 2 submitters: Pathogenic (1); Likely pathogenic (1). Last evaluated 2024-01-05.

Conditions:
Neuronal ceroid lipofuscinosis. Also called: Neuronal Ceroid Lipofuscinoses. Identifiers: Orphanet 216, Orphanet 79263, MedGen C0027877, MONDO:0016295. Disease mechanism: loss of function.
Neuronal ceroid lipofuscinosis 5 (CLN5). Also called: Neuronal ceroid lipofuscinosis Finnish variant; NEURONAL CEROID LIPOFUSCINOSIS, LATE INFANTILE, FINNISH VARIANT; CEROID LIPOFUSCINOSIS, NEURONAL, 5, VARIABLE AGE AT ONSET; CLN5-Related Neuronal Ceroid-Lipofuscinosis. Identifiers: Orphanet 168491, Orphanet 228360, MedGen C1850442, MONDO:0009745, OMIM 256731.

Submissions (2):

Fulgent Genetics
Classification: Likely pathogenic for Neuronal ceroid lipofuscinosis 5. Last evaluated: 2024-01-05. Review status: criteria provided, single submitter. Criteria: ACMG Guidelines, 2015. Collection method: clinical testing. Allele origin: germline.

Labcorp Genetics (formerly Invitae), Labcorp
Classification: Pathogenic for Neuronal ceroid lipofuscinosis. Last evaluated: 2021-10-20. Review status: criteria provided, single submitter. Criteria: Invitae Variant Classification Sherloc (09022015). Collection method: clinical testing. Allele origin: germline.
Comment: For these reasons, this variant has been classified as Pathogenic. This variant disrupts a region of the CLN5 protein in which other variant(s) (p.Tyr392*) have been determined to be pathogenic (PMID: 9662406, 11971870, 12134079, 20052765). This suggests that this is a clinically significant region of the protein, and that variants that disrupt it are likely to be disease-causing. This variant has not been reported in the literature in individuals affected with CLN5-related conditions. This variant is not present in population databases (ExAC no frequency). This sequence change creates a premature translational stop signal (p.Glu377*) in the CLN5 gene. While this is not anticipated to result in nonsense mediated decay, it is expected to disrupt the last 31 amino acid(s) of the CLN5 protein.

Literature cited by the submitters: PubMed 9662406 (cited by Labcorp Genetics (formerly Invitae), Labcorp); PubMed 11971870 (cited by Labcorp Genetics (formerly Invitae), Labcorp); PubMed 12134079 (cited by Labcorp Genetics (formerly Invitae), Labcorp); PubMed 20052765 (cited by Labcorp Genetics (formerly Invitae), Labcorp).

NM_006493.4(CLN5):c.982G>T (p.Glu328Ter)

Gene: CLN5 (CLN5 lysosomal BMP synthase; plus strand). Cytogenetic location: 13q22.3.
Variant type: single nucleotide variant.
Coding change: c.982G>T on transcript NM_006493.4 (MANE Select); coding-DNA position 982, G replaced by T.
Protein change: p.Glu328Ter; replaces glutamic acid 328 with a stop codon.
Molecular consequence: nonsense. On other transcripts: 3 prime UTR variant (1).
Genome position (GRCh38, 1-based): chr13:77,000,874, G>T. VCF-style: chr13-77000874-G-T. GRCh37 (hg19) VCF-style: chr13-77575009-G-T.
Other names: c.*431G>T (NM_001366624.2); short protein forms E328*.
Identifiers: ClinVar variation 1459372 (VCV001459372.7), dbSNP rs2154035204, ClinGen allele CA388314624.